The following is an entry in ClinVar:

ClinVar aggregate classification (germline): Likely pathogenic (1 of 4 stars; one submission).

Conditions:
Dilated cardiomyopathy 1G (CMD1G). Identifiers: Orphanet 154, MedGen C1858763, MONDO:0011400, OMIM 604145.
Hypertrophic cardiomyopathy 9. Also called: Familial hypertrophic cardiomyopathy 9. Identifiers: MedGen C1861065, MONDO:0013412, OMIM 613765.
Early-onset myopathy with fatal cardiomyopathy (CMYO5). Also called: Salih Myopathy; CONGENITAL MYOPATHY 5 WITH CARDIOMYOPATHY. Identifiers: Orphanet 289377, MedGen C2673677, MONDO:0012714, OMIM 611705. Disease mechanism: loss of function.
Tibial muscular dystrophy (TMD). Also called: Tibial muscular dystrophy, tardive; Udd Distal Myopathy – Tibial Muscular Dystrophy; UDD MYOPATHY. Identifiers: Orphanet 609, MedGen C1838244, MONDO:0010870, OMIM 600334.
Autosomal recessive limb-girdle muscular dystrophy type 2J (LGMDR10). Also called: MUSCULAR DYSTROPHY, LIMB-GIRDLE, AUTOSOMAL RECESSIVE 10; Limb-girdle muscular dystrophy, type 2J. Identifiers: Orphanet 140922, MedGen C1837342, MONDO:0012127, OMIM 608807.
Myopathy, myofibrillar, 9, with early respiratory failure (MFM9). Also called: EDSTROM MYOPATHY; Myopathy, distal, with early respiratory failure, autosomal dominant; Hereditary myopathy with early respiratory failure; MYOPATHY, PROXIMAL, WITH EARLY RESPIRATORY MUSCLE INVOLVEMENT. Identifiers: Orphanet 178464, Orphanet 34521, MedGen C1863599, MONDO:0011362, OMIM 603689.

Submission:

Juno Genomics, Hangzhou Juno Genomics, Inc
Classification: Likely pathogenic for Early-onset myopathy with fatal cardiomyopathy; Dilated cardiomyopathy 1G; Hypertrophic cardiomyopathy 9; Autosomal recessive limb-girdle muscular dystrophy type 2J; Myopathy, myofibrillar, 9, with early respiratory failure; Tibial muscular dystrophy. Review status: criteria provided, single submitter. Criteria: ACMG Guidelines, 2015. Collection method: clinical testing. Allele origin: germline.
Comment: Absent from controls (or at extremely low frequency if recessive) in Genome Aggregation Database.;Null variant in a gene where loss of function (LOF) is a known mechanism of disease.

NM_001267550.2(TTN):c.86228_86229insAA (p.Ile28744fs)

Genes: TTN (titin; minus strand), TTN-AS1 (TTN antisense RNA 1; plus strand). Cytogenetic location: 2q31.2.
Variant type: Insertion.
Coding change: c.86228_86229insAA on transcript NM_001267550.2 (MANE Select); coding-DNA positions 86228 to 86229, AA inserted.
Protein change: p.Ile28744fs; shifts the reading frame from isoleucine 28744.
Molecular consequence: frameshift variant.
Genome position: GRCh38 VCF-style: chr2-178559903-C-CTT. GRCh37 (hg19) VCF-style: chr2-179424630-C-CTT.
Other names: c.81305_81306insAA, p.Ile27103fs (NM_001256850.1); c.59033_59034insAA, p.Ile19679fs (NM_003319.4); c.78524_78525insAA, p.Ile26176fs (NM_133378.4); c.59408_59409insAA, p.Ile19804fs (NM_133432.3); c.59609_59610insAA, p.Ile19871fs (NM_133437.4); short protein forms I19679fs, I19804fs, I19871fs, I26176fs, I27103fs, I28744fs.
Identifiers: ClinVar variation 3382429 (VCV003382429.3).